The following is an entry in ClinVar:

ClinVar aggregate classification (germline): Likely pathogenic (1 of 4 stars; one submission).

Conditions:
Duchenne muscular dystrophy (DMD). Also called: Duchenne Muscular Dystrophy (DMD); MUSCULAR DYSTROPHY, PSEUDOHYPERTROPHIC PROGRESSIVE, DUCHENNE TYPE. Identifiers: Orphanet 98896, MedGen C0013264, MONDO:0010679, OMIM 310200.

Submission:

Labcorp Genetics (formerly Invitae), Labcorp
Classification: Likely pathogenic for Duchenne muscular dystrophy. Last evaluated: 2019-12-11. Review status: criteria provided, single submitter. Criteria: Invitae Variant Classification Sherloc (09022015). Collection method: clinical testing. Allele origin: germline.
Comment: In summary, the currently available evidence indicates that the variant is pathogenic, but additional data are needed to prove that conclusively. Therefore, this variant has been classified as Likely Pathogenic. Donor and acceptor splice site variants typically lead to a loss of protein function (PMID: 16199547), and loss-of-function variants in DMD are known to be pathogenic (PMID: 16770791, 25007885). This variant has been observed in individual(s) with clinical features of DMD-related muscular dystrophy (Invitae). This variant is not present in population databases (ExAC no frequency). This sequence change affects an acceptor splice site in intron 7 of the DMD gene. It is expected to disrupt RNA splicing and likely results in an absent or disrupted protein product.

Literature cited by the submitters: PubMed 16199547; PubMed 16770791; PubMed 25007885.

NM_004006.3(DMD):c.650-1G>A

Gene: DMD (dystrophin; minus strand). Cytogenetic location: Xp21.1.
Variant type: single nucleotide variant.
Coding change: c.650-1G>A on transcript NM_004006.3 (MANE Select); the canonical splice acceptor site of the intron before coding-DNA position 650, G replaced by A.
Molecular consequence: splice acceptor variant.
Genome position (GRCh38, 1-based): chrX:32,699,294, C>T on the plus strand (G>A on the coding strand, the complement: DMD is on the minus strand). VCF-style: chrX-32699294-C-T. GRCh37 (hg19) VCF-style: chrX-32717411-C-T.
Other names: c.626-1G>A (NM_000109.4); c.638-1G>A (NM_004009.3); c.281-1G>A (NM_004010.3).
Identifiers: ClinVar variation 844999 (VCV000844999.10), dbSNP rs2063903818, ClinGen allele CA412669202.
Genomic context (GRCh38, chrX:32,699,294, plus strand): 5'-GGAAGAGTGATGTGATGTACATTAAGATGGACTTCTTATCTGGATAGGTGGTATCAACAT[C>T]TGTAAGCACATTAACACTACACATCAATTTTTGGTTTCTATATTTGAGACTCTAAAAGGA-3'